The following is an entry in ClinVar:

ClinVar aggregate classification (germline): Conflicting classifications of pathogenicity. Review status: criteria provided, conflicting classifications (1 of 4 stars). 2 submissions from 2 submitters: Uncertain significance (1); Benign (1). Last evaluated 2026-01-25.

Conditions:
Charcot-Marie-Tooth disease type 2. Also called: Charcot-Marie-Tooth type 2. Identifiers: Orphanet 64746, MedGen C0270914, MONDO:0018993.

Submissions (2):

Labcorp Genetics (formerly Invitae), Labcorp
Classification: Uncertain significance for Charcot-Marie-Tooth disease type 2. Last evaluated: 2026-01-25. Review status: criteria provided, single submitter. Criteria: Invitae Variant Classification Sherloc (09022015). Collection method: clinical testing. Allele origin: germline.
Comment: This sequence change replaces serine, which is neutral and polar, with tyrosine, which is neutral and polar, at codon 1479 of the KIF1B protein (p.Ser1479Tyr). This variant is present in population databases (no rsID available, gnomAD 0.003%). This variant has not been reported in the literature in individuals affected with KIF1B-related conditions. ClinVar contains an entry for this variant (Variation ID: 1026629). An algorithm developed to predict the effect of missense changes on protein structure and function (PolyPhen-2) suggests that this variant is likely to be tolerated. In summary, the available evidence is currently insufficient to determine the role of this variant in disease. Therefore, it has been classified as a Variant of Uncertain Significance.

Ambry Genetics
Classification: Benign. Last evaluated: 2024-04-04. Review status: criteria provided, single submitter. Criteria: Ambry Variant Classification Scheme 2023. Collection method: clinical testing. Allele origin: germline.

NM_001365951.3(KIF1B):c.4574_4575delinsAT (p.Ser1525Tyr)

Gene: KIF1B (kinesin family member 1B; plus strand). Cytogenetic location: 1p36.22.
Variant type: Indel.
Coding change: c.4574_4575delinsAT on transcript NM_001365951.3 (MANE Select); coding-DNA positions 4574 to 4575, CC replaced by AT.
Protein change: p.Ser1525Tyr; replaces serine 1525 with tyrosine.
Molecular consequence: missense variant.
Genome position (GRCh38, 1-based): chr1:10,365,470-10,365,471, CC replaced by AT. VCF-style: chr1-10365470-CC-AT. GRCh37 (hg19) VCF-style: chr1-10425528-CC-AT.
Other names: c.4574_4575delinsAT, p.Ser1525Tyr (NM_001365952.1); c.4436_4437delinsAT, p.Ser1479Tyr (NM_015074.3); c.4436_4437delCCinsAT (NM_015074.3); short protein forms S1479Y, S1525Y.
Identifiers: ClinVar variation 1026629 (VCV001026629.12), dbSNP rs1638543931, ClinGen allele CA915940876.
Genomic context (GRCh38, chr1:10,365,470, plus strand): 5'-TGGAAAAAACCCGCCACTTTTTGCTGCTGCGTGAGAGACTTGGTGACAGCATCCCCAAAT[CC>AT]CTGAGCGACTCGTTATCCCCCAGCCTCAGCAGTGGGACCCTCAGCACCTCCACCAGTATC-3'
Protein context (NP_001352880.1, residues 1515-1535): RERLGDSIPK[Ser1525Tyr]LSDSLSPSLS